The following is an entry in ClinVar:

ClinVar aggregate classification (germline): Pathogenic (1 of 4 stars; one submission).

Conditions:
Alstrom syndrome (ALMS). Identifiers: Orphanet 64, MedGen C0268425, MONDO:0008763, OMIM 203800.

Submission:

Labcorp Genetics (formerly Invitae), Labcorp
Classification: Pathogenic for Alstrom syndrome. Last evaluated: 2023-05-30. Review status: criteria provided, single submitter. Criteria: Invitae Variant Classification Sherloc (09022015). Collection method: clinical testing. Allele origin: germline.
Comment: This variant has not been reported in the literature in individuals affected with ALMS1-related conditions. This variant is not present in population databases (gnomAD no frequency). This sequence change creates a premature translational stop signal (p.Ser1986Valfs*2) in the ALMS1 gene. It is expected to result in an absent or disrupted protein product. Loss-of-function variants in ALMS1 are known to be pathogenic (PMID: 17594715). For these reasons, this variant has been classified as Pathogenic.

Literature cited by the submitters: PubMed 17594715.

NM_001378454.1(ALMS1):c.5951dup (p.Ser1985fs)

Gene: ALMS1 (ALMS1 centrosome and basal body associated protein; plus strand). Cytogenetic location: 2p13.1.
Variant type: Duplication.
Coding change: c.5951dup on transcript NM_001378454.1 (MANE Select); coding-DNA position 5951, one base duplicated (T; older notation c.5951dupT).
Protein change: p.Ser1985fs; shifts the reading frame from serine 1985.
Molecular consequence: frameshift variant.
Genome position (GRCh38, 1-based): chr2:73,452,478, T duplicated. VCF-style (leftmost placement, unchanged base first): chr2-73452477-C-CT. GRCh37 (hg19) VCF-style: chr2-73679604-C-CT.
Other names: c.5954dup, p.Ser1986fs (NM_015120.4); short protein forms S1985fs, S1986fs.
Identifiers: ClinVar variation 2750579 (VCV002750579.4), dbSNP rs2466107252, ClinGen allele CA2697548277.
Genomic context (GRCh38, chr2:73,452,477, plus strand): 5'-GCTCTGAAAGTTTCACCTGTTTCTATACCAGCAGAGCAGAAGACTGGGATACCAATAGGA[C>CT]TGTCTAGTTCCTACTCACATTCACATAAAGAGAAACTCAAGATTTCAACTGTGCATATAC-3'